The following is an entry in ClinVar:

Conditions:
Breast-ovarian cancer, familial, susceptibility to, 1 (BROVCA1). Also called: BRCA1 Hereditary Breast and Ovarian Cancer; OVARIAN CANCER, SUSCEPTIBILITY TO. Identifiers: Orphanet 145, MedGen C2676676, MONDO:0011450, OMIM 604370. Disease mechanism: loss of function.

Submission:

Brotman Baty Institute, University of Washington
No classification provided (evidence only). Condition: Breast-ovarian cancer, familial 1. Review status: no classification provided. Collection method: in vitro. Allele origin: not applicable. Functional consequence: functionally_normal.
ClinVar note: "not provided" was previously submitted as the classification for the variant. However, the classification appeared to be based only on an observation of functional data so it was converted to no classification on 2025-07-30.

NM_007294.4(BRCA1):c.5153-20C>G

Gene: BRCA1 (BRCA1 DNA repair associated; minus strand). Cytogenetic location: 17q21.31.
Variant type: single nucleotide variant.
Coding change: c.5153-20C>G on transcript NM_007294.4 (MANE Select); 20 bases into the intron before coding-DNA position 5153, C replaced by G.
Molecular consequence: intron variant.
Genome position (GRCh38, 1-based): chr17:43,063,393, G>C on the plus strand (C>G on the coding strand, the complement: BRCA1 is on the minus strand). VCF-style: chr17-43063393-G-C. GRCh37 (hg19) VCF-style: chr17-41215410-G-C.
Other names: c.1700-20C>G (NM_001408458.1, NM_001408461.1, NM_001408464.1 and 7 more transcripts); c.4262-20C>G (NM_001407967.1); c.4772-20C>G (NM_001407959.1); c.4886-20C>G (NM_001407931.1, NM_001407932.1, NM_001407928.1 and 4 more transcripts); c.5009-20C>G (NM_001407747.1, NM_001407745.1, NM_001407737.1 and 21 more transcripts); c.4769-20C>G (NM_001407962.1, NM_001407960.1); c.1340-20C>G (NM_001408512.1); c.1463-20C>G (NM_001408510.1); and 72 more.
Identifiers: ClinVar variation 865050 (VCV000865050.3), dbSNP rs2051877292, ClinGen allele CA916080087.